The following is an entry in ClinVar:

NM_020297.4(ABCC9):c.3567-333T>C

Gene: ABCC9 (ATP binding cassette subfamily C member 9; minus strand). Cytogenetic location: 12p12.1.
Variant type: single nucleotide variant.
Coding change: c.3567-333T>C on transcript NM_020297.4 (MANE Select); 333 bases into the intron before coding-DNA position 3567, T replaced by C.
Molecular consequence: intron variant.
Genome position (GRCh38, 1-based): chr12:21,829,393, A>G on the plus strand (T>C on the coding strand, the complement: ABCC9 is on the minus strand). VCF-style: chr12-21829393-A-G. GRCh37 (hg19) VCF-style: chr12-21982327-A-G.
Other names: c.2700-333T>C (NM_001377274.1); c.3567-333T>C (NM_005691.4, NM_001377273.1).
Identifiers: ClinVar variation 681228 (VCV000681228.1), dbSNP rs191743179, ClinGen allele CA233625183.

ClinVar aggregate classification (germline): Benign (1 of 4 stars; one submission).

Allele frequency attached by ClinVar (database versions not stated): gnomAD 0.02752 and 0.02832; TOPMed 0.03002; 1000 Genomes Project 0.03614; 1000 Genomes Project 30x 0.03748.
gnomAD v4.1: 4,125 of 151,668 alleles (2.7%); highest among the groups gnomAD compares: African/African-American, 8.7%; 188 homozygotes.

Submission:

GeneDx
Classification: Benign. Last evaluated: 2018-06-18. Review status: criteria provided, single submitter. Criteria: GeneDx Variant Classification (06012015). Collection method: clinical testing. Allele origin: germline. Affected: yes.
Comment: This variant is considered likely benign or benign based on one or more of the following criteria: it is a conservative change, it occurs at a poorly conserved position in the protein, it is predicted to be benign by multiple in silico algorithms, and/or has population frequency not consistent with disease.